The following is an entry in ClinVar:

NM_000428.3(LTBP2):c.1612C>T (p.Arg538Trp)

Gene: LTBP2 (latent transforming growth factor beta binding protein 2; minus strand). Cytogenetic location: 14q24.3.
Variant type: single nucleotide variant.
Coding change: c.1612C>T on transcript NM_000428.3 (MANE Select); coding-DNA position 1612, C replaced by T.
Protein change: p.Arg538Trp; replaces arginine 538 with tryptophan.
Molecular consequence: missense variant.
Genome position (GRCh38, 1-based): chr14:74,551,138, G>A on the plus strand (C>T on the coding strand, the complement: LTBP2 is on the minus strand). VCF-style: chr14-74551138-G-A. GRCh37 (hg19) VCF-style: chr14-75017841-G-A.
Other names: short protein forms R538W.
Identifiers: ClinVar variation 888083 (VCV000888083.10), dbSNP rs147534770, ClinGen allele CA7269829.

ClinVar aggregate classification (germline): Uncertain significance. Review status: criteria provided, multiple submitters, no conflicts (2 of 4 stars). 6 submissions from 5 submitters: Uncertain significance (6). Last evaluated 2025-06-26.

Conditions:
LTBP2-related disorder. Also called: LTBP2-related disorders; LTBP2-related condition.
Weill-Marchesani syndrome. Also called: WM Syndrome; Mesodermal dysmorphodystrophy congenital. Identifiers: Orphanet 3449, MedGen C0265313, MONDO:0018096.
Glaucoma 3, primary congenital, D. Identifiers: Orphanet 98976, MedGen C2751316, MONDO:0013122, OMIM 613086.

Allele frequency attached by ClinVar (database versions not stated): gnomAD 0.00012 and 0.00016; ESP Exome Variant Server 0.00015; gnomAD exomes 0.00019 and 0.00024; TOPMed 0.00020; ExAC 0.00026; 1000 Genomes Project 30x 0.00078; 1000 Genomes Project 0.00080.

Submissions (6):

PreventionGenetics, part of Exact Sciences
Classification: Uncertain significance for LTBP2-related condition. Last evaluated: 2025-06-26. Review status: criteria provided, single submitter. Criteria: ACMG Guidelines, 2015. Collection method: clinical testing. Allele origin: germline.
Comment: The LTBP2 c.1612C>T variant is predicted to result in the amino acid substitution p.Arg538Trp. This variant was reported in an individual from a Peters' anomaly cohort (Supplementary Data 3 in Chesneau et al. 2022. PubMed ID: 35170016). This variant is reported in 0.068% of alleles in individuals of Latino descent in gnomAD, which may be too frequent for a primary disease-causing variant. Although we suspect that this variant may be benign, at this time, the clinical significance of this variant is uncertain due to the absence of conclusive functional and genetic evidence.

Blueprint Genetics
Classification: Uncertain significance. Last evaluated: 2024-09-09. Review status: criteria provided, single submitter. Criteria: ACMG Guidelines, 2015. Collection method: clinical testing. Allele origin: germline.

Labcorp Genetics (formerly Invitae), Labcorp
Classification: Uncertain significance. Last evaluated: 2024-01-18. Review status: criteria provided, single submitter. Criteria: Invitae Variant Classification Sherloc (09022015). Collection method: clinical testing. Allele origin: germline.
Comment: This sequence change replaces arginine, which is basic and polar, with tryptophan, which is neutral and slightly polar, at codon 538 of the LTBP2 protein (p.Arg538Trp). This variant is present in population databases (rs147534770, gnomAD 0.06%). This missense change has been observed in individual(s) with LTBP2-related conditions (PMID: 22924778, 26425313, 35170016). ClinVar contains an entry for this variant (Variation ID: 888083). An algorithm developed to predict the effect of missense changes on protein structure and function (PolyPhen-2) suggests that this variant is likely to be disruptive. In summary, the available evidence is currently insufficient to determine the role of this variant in disease. Therefore, it has been classified as a Variant of Uncertain Significance.

Illumina Laboratory Services, Illumina
Classification: Uncertain significance for Weill-Marchesani syndrome. Last evaluated: 2018-01-13. Review status: criteria provided, single submitter. Criteria: ICSL Variant Classification Criteria 13 December 2019. Collection method: clinical testing. Allele origin: germline.

Illumina Laboratory Services, Illumina
Classification: Uncertain significance for Glaucoma 3, primary congenital, D. Last evaluated: 2018-01-13. Review status: criteria provided, single submitter. Criteria: ICSL Variant Classification Criteria 13 December 2019. Collection method: clinical testing. Allele origin: germline.

Breakthrough Genomics
Classification: Uncertain significance. Review status: criteria provided, single submitter. Criteria: ACMG Guidelines, 2015. Collection method: not provided. Allele origin: germline. Inheritance: Autosomal recessive inheritance. Affected: yes.

Literature cited by the submitters: PubMed 22924778 (cited by Labcorp Genetics (formerly Invitae), Labcorp); PubMed 26425313 (cited by Labcorp Genetics (formerly Invitae), Labcorp); PubMed 35170016 (cited by Labcorp Genetics (formerly Invitae), Labcorp).